The following is an entry in ClinVar:

NM_001040142.2(SCN2A):c.2149+136C>T

Gene: SCN2A (sodium voltage-gated channel alpha subunit 2; plus strand). Cytogenetic location: 2q24.3.
Variant type: single nucleotide variant.
Coding change: c.2149+136C>T on transcript NM_001040142.2 (MANE Select); 136 bases into the intron after coding-DNA position 2149, C replaced by T.
Molecular consequence: intron variant.
Genome position (GRCh38, 1-based): chr2:165,327,120, C>T. VCF-style: chr2-165327120-C-T. GRCh37 (hg19) VCF-style: chr2-166183630-C-T.
Other names: c.2149+136C>T (NM_001040143.2, NM_001371246.1, NM_001371247.1 and 1 more transcripts).
Identifiers: ClinVar variation 677793 (VCV000677793.1), dbSNP rs140497866, ClinGen allele CA59739065.

ClinVar aggregate classification (germline): Likely benign (1 of 4 stars; one submission).

Allele frequency attached by ClinVar (database versions not stated): gnomAD exomes 0.00092; gnomAD 0.00764 and 0.00811; TOPMed 0.00850; 1000 Genomes Project 0.01278; 1000 Genomes Project 30x 0.01374.
gnomAD v4.1: 2,095 of 1,112,890 alleles (0.19%); highest among the groups gnomAD compares: African/African-American, 2.6%; 31 homozygotes.

Submission:

GeneDx
Classification: Likely benign. Last evaluated: 2018-06-14. Review status: criteria provided, single submitter. Criteria: GeneDx Variant Classification (06012015). Collection method: clinical testing. Allele origin: germline. Affected: yes.
Comment: This variant is considered likely benign or benign based on one or more of the following criteria: it is a conservative change, it occurs at a poorly conserved position in the protein, it is predicted to be benign by multiple in silico algorithms, and/or has population frequency not consistent with disease.